The following is an entry in ClinVar:

NM_052947.4(ALPK2):c.5033T>C (p.Leu1678Pro)

Genes: ALPK2 (alpha kinase 2; minus strand), LOC130062577 (ATAC-STARR-seq lymphoblastoid active region 13389; plus strand). Cytogenetic location: 18q21.31.
Variant type: single nucleotide variant.
Coding change: c.5033T>C on transcript NM_052947.4 (MANE Select); coding-DNA position 5033, T replaced by C.
Protein change: p.Leu1678Pro; replaces leucine 1678 with proline.
Molecular consequence: missense variant.
Genome position (GRCh38, 1-based): chr18:58,535,154, A>G on the plus strand (T>C on the coding strand, the complement: ALPK2 is on the minus strand). VCF-style: chr18-58535154-A-G. GRCh37 (hg19) VCF-style: chr18-56202386-A-G.
Other names: short protein forms L1678P.
Identifiers: ClinVar variation 1744911 (VCV001744911.3), dbSNP rs1339996870, ClinGen allele CA402558739.

ClinVar aggregate classification (germline): Uncertain significance (1 of 4 stars; one submission).

Allele frequency attached by ClinVar (database versions not stated): gnomAD exomes below 0.00001; TOPMed below 0.00001.
gnomAD v4.1: 2 of 1,614,050 alleles (0.00012%); highest among the groups gnomAD compares: Middle Eastern, 0.033%; no homozygotes.

Submission:

Ambry Genetics
Classification: Uncertain significance. Last evaluated: 2024-08-17. Review status: criteria provided, single submitter. Criteria: Ambry Variant Classification Scheme 2023. Collection method: clinical testing. Allele origin: germline.
Comment: The p.L1678P variant (also known as c.5033T>C), located in coding exon 4 of the ALPK2 gene, results from a T to C substitution at nucleotide position 5033. The leucine at codon 1678 is replaced by proline, an amino acid with similar properties. This amino acid position is conserved. In addition, this alteration is predicted to be tolerated by in silico analysis. Since supporting evidence is limited at this time, the clinical significance of this alteration remains unclear.